The following is an entry in ClinVar:

NM_024301.5(FKRP):c.1051G>A (p.Ala351Thr)

Gene: FKRP (fukutin related protein; plus strand). Cytogenetic location: 19q13.32.
Variant type: single nucleotide variant.
Coding change: c.1051G>A on transcript NM_024301.5 (MANE Select); coding-DNA position 1051, G replaced by A.
Protein change: p.Ala351Thr; replaces alanine 351 with threonine.
Molecular consequence: missense variant.
Genome position (GRCh38, 1-based): chr19:46,756,501, G>A. VCF-style: chr19-46756501-G-A. GRCh37 (hg19) VCF-style: chr19-47259758-G-A.
Other names: c.1051G>A, p.Ala351Thr (NM_001039885.3); c.1051G>A (NM_024301.4); short protein forms A351T.
Identifiers: ClinVar variation 1036190 (VCV001036190.4), dbSNP rs982005875, ClinGen allele CA309099737.

ClinVar aggregate classification (germline): Uncertain significance. Review status: criteria provided, multiple submitters, no conflicts (2 of 4 stars). 3 submissions from 3 submitters: Uncertain significance (2). 1 of the submissions does not count toward it. Last evaluated 2026-03-12.

Conditions:
Cardiovascular phenotype. Identifiers: MedGen CN230736.
Autosomal recessive limb-girdle muscular dystrophy type 2I. Also called: MUSCULAR DYSTROPHY-DYSTROGLYCANOPATHY (LIMB-GIRDLE), TYPE C, 5; MUSCULAR DYSTROPHY-DYSTROGLYCANOPATHY, LIMB-GIRDLE, FRKP-RELATED; MUSCULAR DYSTROPHY, LIMB-GIRDLE, TYPE 2I. Identifiers: Orphanet 34515, MedGen C1846672, MONDO:0011787, OMIM 607155.
Walker-Warburg congenital muscular dystrophy. Also called: Muscular dystrophy-dystroglycanopathy, type A; Walker-Warburg syndrome. Identifiers: Orphanet 899, MedGen C0265221, MONDO:0000171.

Allele frequency attached by ClinVar (database versions not stated): gnomAD exomes 0.00001.

Submissions (3):

Ambry Genetics
Classification: Uncertain significance for Cardiovascular phenotype. Last evaluated: 2026-03-12. Review status: criteria provided, single submitter. Criteria: Ambry Variant Classification Scheme 2023. Collection method: clinical testing. Allele origin: germline.
Comment: The p.A351T variant (also known as c.1051G>A), located in coding exon 1 of the FKRP gene, results from a G to A substitution at nucleotide position 1051. The alanine at codon 351 is replaced by threonine, an amino acid with similar properties. This variant has been identified in the homozygous state in a fetus with multisystem anomalies that included hydrocephalus, cataract, and cystic dysplastic kidneys (El-Dessouky SH et al. Clin Genet, 2025 Jul;108:33-48). This amino acid position is not well conserved in available vertebrate species. In addition, the in silico prediction for this alteration is inconclusive. Based on the available evidence, the clinical significance of this variant remains unclear.

Labcorp Genetics (formerly Invitae), Labcorp
Classification: Uncertain significance for Walker-Warburg congenital muscular dystrophy. Last evaluated: 2022-10-17. Review status: criteria provided, single submitter. Criteria: Invitae Variant Classification Sherloc (09022015). Collection method: clinical testing. Allele origin: germline.
Comment: This sequence change replaces alanine, which is neutral and non-polar, with threonine, which is neutral and polar, at codon 351 of the FKRP protein (p.Ala351Thr). The frequency data for this variant in the population databases is considered unreliable, as metrics indicate poor data quality at this position in the gnomAD database. This variant has not been reported in the literature in individuals affected with FKRP-related conditions. ClinVar contains an entry for this variant (Variation ID: 1036190). Advanced modeling of protein sequence and biophysical properties (such as structural, functional, and spatial information, amino acid conservation, physicochemical variation, residue mobility, and thermodynamic stability) performed at Invitae indicates that this missense variant is expected to disrupt FKRP protein function. In summary, the available evidence is currently insufficient to determine the role of this variant in disease. Therefore, it has been classified as a Variant of Uncertain Significance.

Natera, Inc.
Classification: Uncertain significance for Limb-girdle muscular dystrophy type 2I. Last evaluated: 2020-05-19. Review status: no assertion criteria provided. Collection method: clinical testing. Allele origin: germline. Not counted in ClinVar's aggregate classification.

Literature cited by the submitters: PubMed 39891418 (cited by Ambry Genetics).